The following is an entry in ClinVar:

NM_014991.6(WDFY3):c.6739_6740del (p.Cys2247fs)

Gene: WDFY3 (WD repeat and FYVE domain containing 3; minus strand). Cytogenetic location: 4q21.23.
Variant type: Deletion.
Coding change: c.6739_6740del on transcript NM_014991.6 (MANE Select); coding-DNA positions 6739 to 6740, 2 bases deleted (TG; older notation c.6739_6740delTG).
Protein change: p.Cys2247fs; shifts the reading frame from cysteine 2247.
Molecular consequence: frameshift variant.
Genome position (GRCh38, 1-based): chr4:84,737,201-84,737,202, CA deleted on the plus strand (TG on the coding strand, the reverse complement: WDFY3 is on the minus strand); deleting any 2 consecutive bases within chr4:84,737,201-84,737,203 gives the same sequence; the c. name uses the placement nearest the transcript's 3' end. VCF-style (leftmost placement, unchanged base first): chr4-84737200-GCA-G. GRCh37 (hg19) VCF-style: chr4-85658353-GCA-G.
Other names: c.6739_6740del (NM_014991.4); short protein forms C2247fs.
Identifiers: ClinVar variation 3899503 (VCV003899503.1), dbSNP rs1737597490.

ClinVar aggregate classification (germline): Pathogenic (1 of 4 stars; one submission).

Submission:

GeneDx
Classification: Pathogenic. Last evaluated: 2024-11-17. Review status: criteria provided, single submitter. Criteria: GeneDx Variant Classification Process June 2021. Collection method: clinical testing. Allele origin: germline. Affected: yes.
Comment: Frameshift variant predicted to result in protein truncation or nonsense mediated decay in a gene for which loss of function is a known mechanism of disease; Not observed at significant frequency in large population cohorts (gnomAD); Has not been previously published as pathogenic or benign to our knowledge